The following is an entry in ClinVar:

ClinVar aggregate classification (germline): Likely pathogenic (1 of 4 stars; one submission).

Conditions:
Agenesis of the corpus callosum with peripheral neuropathy (ACCPN). Also called: CHARLEVOIX DISEASE; POLYNEUROPATHY, SENSORIMOTOR, WITH OR WITHOUT AGENESIS OF THE CORPUS CALLOSUM; HMSN/ACC; Hereditary Motor and Sensory Neuropathy with Agenesis of the Corpus Callosum. Identifiers: Orphanet 1496, MedGen C0795950, MONDO:0000902, OMIM 218000. Disease mechanism: loss of function.

Submission:

Myriad Genetics, Inc.
Classification: Likely pathogenic for Agenesis of the corpus callosum with peripheral neuropathy. Last evaluated: 2022-02-25. Review status: criteria provided, single submitter. Criteria: Myriad Women's Health Autosomal Recessive and X-Linked Classification Criteria (2021). Collection method: clinical testing. Allele origin: unknown.
Comment: NM_133647.1(SLC12A6):c.1318del1ins17(S440Vfs*16) is expected to be pathogenic in the context of Andermann syndrome. This variant is predicted to lead to an abnormal or absent protein product due to the creation of a premature termination codon in SLC12A6, a gene where loss-of-function variants are known to be pathogenic. Please note: this variant was assessed in the context of healthy population screening.

NM_001365088.1(SLC12A6):c.1318delinsGTCTCTTATACACATCT (p.Ser440fs)

Gene: SLC12A6 (solute carrier family 12 member 6; minus strand). Cytogenetic location: 15q14.
Variant type: Indel.
Coding change: c.1318delinsGTCTCTTATACACATCT on transcript NM_001365088.1 (MANE Select); coding-DNA position 1318, A replaced by GTCTCTTATACACATCT.
Protein change: p.Ser440fs; shifts the reading frame from serine 440.
Molecular consequence: frameshift variant.
Genome position (GRCh38, 1-based): chr15:34,252,185, T replaced by AGATGTGTATAAGAGAC on the plus strand (A replaced by GTCTCTTATACACATCT on the coding strand, the reverse complement: SLC12A6 is on the minus strand). VCF-style: chr15-34252185-T-AGATGTGTATAAGAGAC. GRCh37 (hg19) VCF-style: chr15-34544386-T-AGATGTGTATAAGAGAC.
Other names: c.1318delinsGTCTCTTATACACATCT, p.Ser440fs (NM_133647.2); c.1141delinsGTCTCTTATACACATCT, p.Ser381fs (NM_001042494.2, NM_001042495.2); c.1291delinsGTCTCTTATACACATCT, p.Ser431fs (NM_001042496.2); c.1273delinsGTCTCTTATACACATCT, p.Ser425fs (NM_001042497.2); c.1165delinsGTCTCTTATACACATCT, p.Ser389fs (NM_005135.2); short protein forms S381fs, S389fs, S425fs, S431fs, S440fs.
Identifiers: ClinVar variation 1724690 (VCV001724690.2), dbSNP rs2529610489, ClinGen allele CA2580089291.